The following is an entry in ClinVar:

NM_018006.5(TRMU):c.1030_1032dup (p.Leu344_Thr345insLeu)

Gene: TRMU (tRNA mitochondrial 2-thiouridylase; plus strand). Cytogenetic location: 22q13.31.
Variant type: Duplication.
Coding change: c.1030_1032dup on transcript NM_018006.5 (MANE Select); coding-DNA positions 1030 to 1032, 3 bases duplicated (CTG; older notation c.1030_1032dupCTG).
Protein change: p.Leu344_Thr345insLeu.
Molecular consequence: non-coding transcript variant (on NR_104240.2). On other transcripts: intron variant (2).
Genome position (GRCh38, 1-based): chr22:46,356,001-46,356,003, CTG duplicated; duplicating any 3 consecutive bases within chr22:46,355,999-46,356,003 gives the same sequence; the c. name uses the placement nearest the transcript's 3' end. VCF-style (leftmost placement, unchanged base first): chr22-46355998-G-GTGC. GRCh37 (hg19) VCF-style: chr22-46751895-G-GTGC.
Other names: c.688_690dup, p.Leu230_Thr231insLeu (NM_001282782.2); c.610_612dup, p.Leu204_Thr205insLeu (NM_001282783.2); c.1018+413_1018+415dup (NM_001282785.2); c.598+413_598+415dup (NM_001282784.2).
Identifiers: ClinVar variation 4062404 (VCV004062404.2).

ClinVar aggregate classification (germline): Uncertain significance. Review status: criteria provided, single submitter (1 of 4 stars). 2 submissions from 2 submitters: Uncertain significance (1). 1 of the submissions does not count toward it. Last evaluated 2026-04-29.

Conditions:
Acute infantile liver failure due to synthesis defect of mtDNA-encoded proteins. Also called: LIVER FAILURE, INFANTILE, TRANSIENT; Liver failure acute infantile; TRMU Deficiency. Identifiers: Orphanet 217371, MedGen C3278664, MONDO:0013111, OMIM 613070.

Submissions (2):

Myriad Genetics, Inc.
Classification: Uncertain significance for Acute infantile liver failure due to synthesis defect of mtDNA-encoded proteins. Last evaluated: 2026-04-29. Review status: criteria provided, single submitter. Criteria: Myriad Autosomal Dominant, Autosomal Recessive and X-Linked Classification Criteria (2023). Collection method: clinical testing. Allele origin: unknown.
Comment: NM_018006.4(TRMU):c.1030_1032dupCTG(L344dup) is an in-frame insertion classified as a variant of uncertain significance in the context of acute liver failure, TRMU-related. L344dup has not been observed in cases with relevant disease. Relevant functional assessments of this variant are not available in the literature. L344dup has not been observed in referenced population frequency databases. In summary, there is insufficient evidence to classify NM_018006.4(TRMU):c.1030_1032dupCTG(L344dup) as pathogenic or benign. Please note: this variant was assessed in the context of healthy population screening.

Natera, Inc.
Classification: Uncertain significance for Acute infantile liver failure due to synthesis defect of mtDNA-encoded proteins. Last evaluated: 2025-02-05. Review status: no assertion criteria provided. Collection method: clinical testing. Allele origin: germline. Not counted in ClinVar's aggregate classification.